The following is an entry in ClinVar:

ClinVar aggregate classification (germline): Uncertain significance. Review status: criteria provided, multiple submitters, no conflicts (2 of 4 stars). 5 submissions from 5 submitters: Uncertain significance (5). Last evaluated 2025-12-10.

Conditions:
Hereditary cancer-predisposing syndrome. Also called: Hereditary neoplastic syndrome; Neoplastic Syndromes, Hereditary; Tumor predisposition; Hereditary Cancer Syndrome. Identifiers: Orphanet 140162, MedGen C0027672, MeSH D009386, MONDO:0015356.
Familial cancer of breast. Also called: BREAST CANCER, FAMILIAL; Hereditary breast cancer; hereditary breast carcinoma. Identifiers: Orphanet 227535, MedGen C0346153, MONDO:0016419, OMIM 114480. Disease mechanism: loss of function.

Allele frequency attached by ClinVar (database versions not stated): gnomAD 0.00001; gnomAD exomes 0.00001; TOPMed 0.00001.

Submissions (5):

Color Diagnostics, LLC DBA Color Health
Classification: Uncertain significance for Hereditary cancer-predisposing syndrome. Last evaluated: 2025-12-10. Review status: criteria provided, single submitter. Criteria: ACMG Guidelines, 2015. Collection method: clinical testing. Allele origin: germline.
Comment: This missense variant replaces phenylalanine with serine at codon 1005 of the PALB2 protein. Computational prediction suggests that this variant may not impact protein structure and function. This is a missense variant in a gene for which primarily truncating variants are known to cause disease. To our knowledge, functional studies have not been reported for this variant. This variant has been reported in an individual with personal and/or family history of breast or ovarian cancer (PMID: 38136308), and it has been detected in a breast cancer case-control meta-analysis in 1/60466 cases and 1/53461 unaffected individuals (PMID: 33471991LOVD DB-ID PALB2_010800). This variant has been detected in 1 individual older than age 70 years who has never had cancer (FLOSSIES database). This variant has been identified in 6/1613798 chromosomes in the general population by the Genome Aggregation Database (gnomAD). The available evidence is insufficient to determine the role of this variant in disease conclusively. Therefore, this variant is classified as a Variant of Uncertain Significance.

Ambry Genetics
Classification: Uncertain significance for Hereditary cancer-predisposing syndrome. Last evaluated: 2025-10-17. Review status: criteria provided, single submitter. Criteria: Ambry Variant Classification Scheme 2023. Collection method: clinical testing. Allele origin: germline.
Comment: The p.F1005S variant (also known as c.3014T>C), located in coding exon 10 of the PALB2 gene, results from a T to C substitution at nucleotide position 3014. The phenylalanine at codon 1005 is replaced by serine, an amino acid with highly dissimilar properties. This amino acid position is not well conserved in available vertebrate species. In addition, this alteration is predicted to be tolerated by in silico analysis. Since supporting evidence is limited at this time, the clinical significance of this alteration remains unclear.

GeneDx
Classification: Uncertain significance. Last evaluated: 2025-03-19. Review status: criteria provided, single submitter. Criteria: GeneDx Variant Classification Process June 2021. Collection method: clinical testing. Allele origin: germline. Affected: yes.
Comment: Not observed at significant frequency in large population cohorts (gnomAD); In silico analysis indicates that this missense variant does not alter protein structure/function; Observed in a patient suspected of having Hereditary Breast and Ovarian Cancer Syndrome (PMID: 38136308); This variant is associated with the following publications: (PMID: 38136308, 20871615, 24485656, 19609323)

Labcorp Genetics (formerly Invitae), Labcorp
Classification: Uncertain significance for Familial cancer of breast. Last evaluated: 2024-11-03. Review status: criteria provided, single submitter. Criteria: Invitae Variant Classification Sherloc (09022015). Collection method: clinical testing. Allele origin: germline.
Comment: This sequence change replaces phenylalanine, which is neutral and non-polar, with serine, which is neutral and polar, at codon 1005 of the PALB2 protein (p.Phe1005Ser). This variant is not present in population databases (gnomAD no frequency). This variant has not been reported in the literature in individuals affected with PALB2-related conditions. ClinVar contains an entry for this variant (Variation ID: 246461). Invitae Evidence Modeling of protein sequence and biophysical properties (such as structural, functional, and spatial information, amino acid conservation, physicochemical variation, residue mobility, and thermodynamic stability) indicates that this missense variant is not expected to disrupt PALB2 protein function with a negative predictive value of 80%. In summary, the available evidence is currently insufficient to determine the role of this variant in disease. Therefore, it has been classified as a Variant of Uncertain Significance.

Baylor Genetics
Classification: Uncertain significance for Familial cancer of breast. Last evaluated: 2023-08-02. Review status: criteria provided, single submitter. Criteria: ACMG Guidelines, 2015. Collection method: clinical testing. Allele origin: unknown.

Literature cited by the submitters: PubMed 33471991 (cited by Color Diagnostics, LLC DBA Color Health); PubMed 38136308 (cited by Color Diagnostics, LLC DBA Color Health).

NM_024675.4(PALB2):c.3014T>C (p.Phe1005Ser)

Gene: PALB2 (partner and localizer of BRCA2; minus strand). Cytogenetic location: 16p12.2.
Variant type: single nucleotide variant.
Coding change: c.3014T>C on transcript NM_024675.4 (MANE Select); coding-DNA position 3014, T replaced by C.
Protein change: p.Phe1005Ser; replaces phenylalanine 1005 with serine.
Molecular consequence: missense variant.
Genome position (GRCh38, 1-based): chr16:23,621,461, A>G on the plus strand (T>C on the coding strand, the complement: PALB2 is on the minus strand). VCF-style: chr16-23621461-A-G. GRCh37 (hg19) VCF-style: chr16-23632782-A-G.
Other names: short protein forms F1005S.
Identifiers: ClinVar variation 246461 (VCV000246461.25), dbSNP rs879254268, ClinGen allele CA10584506.